The following is an entry in ClinVar:

ClinVar aggregate classification (germline): Uncertain significance (1 of 4 stars; one submission).

Conditions:
Charcot-Marie-Tooth disease axonal type 2O. Also called: Charcot-Marie-Tooth Neuropathy Type 2O; Charcot-Marie-Tooth disease, axonal, type 20; CHARCOT-MARIE-TOOTH NEUROPATHY, AXONAL, TYPE 2O; CHARCOT-MARIE-TOOTH DISEASE, AXONAL, AUTOSOMAL DOMINANT, TYPE 2O. Identifiers: Orphanet 284232, MedGen C3280220, MONDO:0013644, OMIM 614228.

Submission:

Labcorp Genetics (formerly Invitae), Labcorp
Classification: Uncertain significance for Charcot-Marie-Tooth disease axonal type 2O. Last evaluated: 2024-05-15. Review status: criteria provided, single submitter. Criteria: Invitae Variant Classification Sherloc (09022015). Collection method: clinical testing. Allele origin: germline.
Comment: This sequence change replaces arginine, which is basic and polar, with glutamine, which is neutral and polar, at codon 1357 of the DYNC1H1 protein (p.Arg1357Gln). This variant is not present in population databases (gnomAD no frequency). This variant has not been reported in the literature in individuals affected with DYNC1H1-related conditions. ClinVar contains an entry for this variant (Variation ID: 2142510). Advanced modeling of protein sequence and biophysical properties (such as structural, functional, and spatial information, amino acid conservation, physicochemical variation, residue mobility, and thermodynamic stability) performed at Invitae indicates that this missense variant is expected to disrupt DYNC1H1 protein function with a positive predictive value of 95%. In summary, the available evidence is currently insufficient to determine the role of this variant in disease. Therefore, it has been classified as a Variant of Uncertain Significance.

NM_001376.5(DYNC1H1):c.4070G>A (p.Arg1357Gln)

Gene: DYNC1H1 (dynein cytoplasmic 1 heavy chain 1; plus strand). Cytogenetic location: 14q32.31.
Variant type: single nucleotide variant.
Coding change: c.4070G>A on transcript NM_001376.5 (MANE Select); coding-DNA position 4070, G replaced by A.
Protein change: p.Arg1357Gln; replaces arginine 1357 with glutamine.
Molecular consequence: missense variant.
Genome position (GRCh38, 1-based): chr14:102,000,395, G>A. VCF-style: chr14-102000395-G-A. GRCh37 (hg19) VCF-style: chr14-102466732-G-A.
Other names: short protein forms R1357Q.
Identifiers: ClinVar variation 2142510 (VCV002142510.4), dbSNP rs2503727365, ClinGen allele CA391039449.
Genomic context (GRCh38, chr14:102,000,395, plus strand): 5'-CTAAGGTTTGGGAGCAAATCGATCAGATGAAGGAGCAACCCTGGGTTTCAGTACAGCCTC[G>A]AAAGGTATATCATGAAATCGGTGTTTGTGTACGTCTATTTTAACAGTTACAGACTTTATT-3'
Protein context (NP_001367.2, residues 1347-1367): KEQPWVSVQP[Arg1357Gln]KLRQNLDALL